The following is an entry in ClinVar:

ClinVar aggregate classification (germline): Uncertain significance. Review status: criteria provided, multiple submitters, no conflicts (2 of 4 stars). 2 submissions from 2 submitters: Uncertain significance (2). Last evaluated 2025-04-17.

Conditions:
Atrioventricular septal defect 4 (AVSD4). Identifiers: MedGen C3280781, MONDO:0013747, OMIM 614430.

Allele frequency attached by ClinVar (database versions not stated): gnomAD exomes below 0.00001.
gnomAD v4.1: 5 of 1,614,154 alleles (0.00031%); highest among the groups gnomAD compares: Non-Finnish European, 0.00017%; no homozygotes.

Submissions (2):

Labcorp Genetics (formerly Invitae), Labcorp
Classification: Uncertain significance for Atrioventricular septal defect 4. Last evaluated: 2025-04-17. Review status: criteria provided, single submitter. Criteria: Invitae Variant Classification Sherloc (09022015). Collection method: clinical testing. Allele origin: germline.
Comment: This sequence change replaces arginine, which is basic and polar, with cysteine, which is neutral and slightly polar, at codon 259 of the GATA4 protein (p.Arg259Cys). This variant is not present in population databases (gnomAD no frequency). This variant has not been reported in the literature in individuals affected with GATA4-related conditions. ClinVar contains an entry for this variant (Variation ID: 1497269). Invitae Evidence Modeling of protein sequence and biophysical properties (such as structural, functional, and spatial information, amino acid conservation, physicochemical variation, residue mobility, and thermodynamic stability) has been performed for this missense variant. However, the output from this modeling did not meet the statistical confidence thresholds required to predict the impact of this variant on GATA4 protein function. In summary, the available evidence is currently insufficient to determine the role of this variant in disease. Therefore, it has been classified as a Variant of Uncertain Significance.

Breakthrough Genomics
Classification: Uncertain significance. Review status: criteria provided, single submitter. Criteria: ACMG Guidelines, 2015. Collection method: not provided. Allele origin: germline. Inheritance: Autosomal recessive inheritance. Affected: yes.

NM_001308093.3(GATA4):c.778C>T (p.Arg260Cys)

Gene: GATA4 (GATA binding protein 4). Cytogenetic location: 8p23.1.
Variant type: single nucleotide variant.
Coding change: c.778C>T on transcript NM_001308093.3 (MANE Select); coding-DNA position 778, C replaced by T.
Protein change: p.Arg260Cys; replaces arginine 260 with cysteine.
Molecular consequence: missense variant.
Genome position (GRCh38, 1-based): chr8:11,749,077, C>T. VCF-style: chr8-11749077-C-T. GRCh37 (hg19) VCF-style: chr8-11606586-C-T.
Other names: c.157C>T, p.Arg53Cys (NM_001308094.2, NM_001374273.1, NM_001374274.1); c.775C>T, p.Arg259Cys (NM_002052.5); short protein forms R260C, R259C, R53C.
Identifiers: ClinVar variation 1497269 (VCV001497269.9), dbSNP rs1437389442, ClinGen allele CA370312875.